The following is an entry in ClinVar:

ClinVar aggregate classification (germline): Pathogenic/Likely pathogenic. Review status: criteria provided, multiple submitters, no conflicts (2 of 4 stars). 12 submissions from 12 submitters: Pathogenic (7); Likely pathogenic (4). 1 of the submissions does not count toward it. Last evaluated 2026-07-21.

Conditions:
PMS2-related disorder. Also called: PMS2-related condition.
Hereditary nonpolyposis colorectal neoplasms. Identifiers: MedGen C0009405, MeSH D003123.
Hereditary cancer-predisposing syndrome. Also called: Neoplastic Syndromes, Hereditary; Tumor predisposition; Hereditary neoplastic syndrome; Hereditary Cancer Syndrome. Identifiers: Orphanet 140162, MedGen C0027672, MeSH D009386, MONDO:0015356.
Lynch syndrome. Identifiers: Orphanet 144, MedGen C4552100, MONDO:0005835. Disease mechanism: loss of function.
Lynch syndrome 4 (LYNCH4). Also called: Colorectal cancer, hereditary nonpolyposis, type 4; Hereditary non-polyposis colorectal cancer, type 4. Identifiers: Orphanet 144, MedGen C1838333, MONDO:0013699, OMIM 614337. Disease mechanism: loss of function.

Allele frequency attached by ClinVar (database versions not stated): TOPMed below 0.00001.
gnomAD v4.1: 1 of 1,519,230 alleles (0.000066%); highest among the groups gnomAD compares: East Asian, 0.0023%; no homozygotes.

Submissions (12):

PreventionGenetics, part of Exact Sciences
Classification: Pathogenic for PMS2-related condition. Last evaluated: 2026-07-21. Review status: criteria provided, single submitter. Criteria: ACMG Guidelines, 2015. Collection method: clinical testing. Allele origin: germline.
Comment: The PMS2 c.164-1G>C variant is predicted to disrupt the AG splice acceptor site and interfere with normal splicing. This variant has been reported in individuals with clinical features consistent with Lynch syndrome and/or breast cancer (Wang et al. 2020. PubMed ID: 31992580; Goodenberger et al. 2016. PubMed ID: 25856668; Espenschied et al. 2017. PubMed ID: 28514183; Ryu et al. 2020. PubMed ID: 32761968). This variant is reported in 0.0054% of alleles in individuals of East Asian descent in gnomAD and is classified as pathogenic or likely pathogenic in ClinVar (Variation ID: 186061). Functional studies indicate that this variant disrupts RNA splicing resulting in the partial deletion of exon 3 and the creation of a premature stop codon (Ryu et al. 2020. PubMed ID: 32761968). Variants that disrupt the consensus splice acceptor site in PMS2 are expected to be pathogenic. Based on this evidence, we interpret this variant as pathogenic.

Labcorp Genetics (formerly Invitae), Labcorp
Classification: Pathogenic for Hereditary nonpolyposis colorectal neoplasms. Last evaluated: 2025-07-31. Review status: criteria provided, single submitter. Criteria: Invitae Variant Classification Sherloc (09022015). Collection method: clinical testing. Allele origin: germline.
Comment: This sequence change affects an acceptor splice site in intron 2 of the PMS2 gene. RNA analysis indicates that disruption of this splice site induces altered splicing and may result in an absent or altered protein product. This variant is present in population databases (rs763308607, gnomAD 0.006%). Disruption of this splice site has been observed in individual(s) with PMS2-related conditions (PMID: 23709753, 25856668, 28514183, 31992580, 32761968). ClinVar contains an entry for this variant (Variation ID: 186061). Studies have shown that disruption of this splice site results in activation of a cryptic splice site, and produces a non-functional protein and/or introduces a premature termination codon (internal data). For these reasons, this variant has been classified as Pathogenic.

Ambry Genetics
Classification: Pathogenic for Hereditary cancer-predisposing syndrome. Last evaluated: 2024-11-06. Review status: criteria provided, single submitter. Criteria: Ambry Variant Classification Scheme 2023. Collection method: clinical testing. Allele origin: germline.
Comment: The c.164-1G>C intronic pathogenic mutation results from a G to C substitution one nucleotide upstream from coding exon 3 of the PMS2 gene. This variant has been identified in probands whose Lynch syndrome-associated tumor demonstrated high microsatellite instability and/or loss of PMS2 expression by immunohistochemistry (IHC; Li S et al. J. Med. Genet. 2020 Jan;57:62-69; Ambry internal data). In silico splice site analysis predicts that this alteration will weaken the native splice acceptor site and will result in the creation or strengthening of a novel splice acceptor site. RNA studies have demonstrated that this alteration results in abnormal splicing in the set of samples tested (Ambry internal data). In addition to the clinical data presented in the literature, alterations that disrupt the canonical splice site are expected to cause aberrant splicing, resulting in an abnormal protein or a transcript that is subject to nonsense-mediated mRNA decay. As such, this alteration is classified as a disease-causing mutation.

GeneDx
Classification: Likely pathogenic. Last evaluated: 2024-01-17. Review status: criteria provided, single submitter. Criteria: GeneDx Variant Classification Process June 2021. Collection method: clinical testing. Allele origin: germline. Affected: yes.
Comment: Canonical splice site variant predicted to disrupt splicing in a gene for which loss of function is a known mechanism of disease; Published RNA studies suggest this variant results in use of a cryptic splice site and an aberrant transcript which is predicted to lead to a frameshift (PMID: 32761968); Not observed at significant frequency in large population cohorts (gnomAD); This variant is associated with the following publications: (PMID: 25856668, 11574484, 34172528, 32761968, 31802016, 31992580)

Color Diagnostics, LLC DBA Color Health
Classification: Pathogenic for Hereditary cancer-predisposing syndrome. Last evaluated: 2023-08-07. Review status: criteria provided, single submitter. Criteria: ACMG Guidelines, 2015. Collection method: clinical testing. Allele origin: germline.
Comment: This variant causes a G to C nucleotide substitution at the -1 position of intron 2 of the PMS2 gene. Functional RNA studies have shown that this variant causes a partial deletion of exon 3, resulting in premature truncation (PMID: 32761968). This variant has been reported in individuals affected with Lynch syndrome (PMID: 25856668, 31992580; ClinVar SCV000216319.6, SCV000572224.5). This variant has been identified in 1/248116 chromosomes in the general population by the Genome Aggregation Database (gnomAD). Loss of PMS2 function is a known mechanism of disease. Based on the available evidence, this variant is classified as Pathogenic.

All of Us Research Program, National Institutes of Health
Classification: Pathogenic for Lynch syndrome. Last evaluated: 2023-07-09. Review status: criteria provided, single submitter. Criteria: ACMG Guidelines, 2015. Collection method: clinical testing. Allele origin: germline. Inheritance: Autosomal dominant inheritance. Observed: 1 variant allele, 1 heterozygote.
Comment: The c.164-1G>C variant in the PMS2 gene is located at the canonical splice site of intron 2 and is predicted to cause alternative splicing, resulting in an absent or disrupted protein product. Experimental study of mRNA transcripts from patient samples showed partial deletion of exon 3 and truncated protein (PMID: 32761968). The variant has been reported in multiple individuals with Lynch syndrome-associated cancers (PMID: 31992580, 28514183, 32761968, 34793666, 30376427). Loss-of-function variants in PMS2 are known to be pathogenic for Lynch syndrome (PMID: 28514183, 25512458, 35223509). The variant is reported in ClinVar (ID: 186061). The variant is rare in the general population according to gnomAD (1/248116). Therefore, the c.164-1G>C variant of PMS2 has been classified as pathogenic.

This study involves interpretation of variants in research participants for the purpose of population health screening. Participant phenotype was not available at the time of variant classification. Additional details can be found in publication PMID: 35346344, PMCID: PMC8962531

Myriad Genetics, Inc.
Classification: Likely pathogenic for Lynch syndrome 4. Last evaluated: 2023-04-04. Review status: criteria provided, single submitter. Criteria: Myriad Autosomal Dominant, Autosomal Recessive and X-Linked Classification Criteria (2023). Collection method: clinical testing. Allele origin: unknown.
Comment: This variant is considered likely pathogenic. This variant occurs within a consensus splice junction and is predicted to result in abnormal mRNA splicing of either an out-of-frame exon or an in-frame exon necessary for protein stability and/or normal function.

Revvity Omics, Revvity
Classification: Likely pathogenic. Last evaluated: 2022-07-26. Review status: criteria provided, single submitter. Criteria: ACMG Guidelines, 2015. Collection method: clinical testing. Allele origin: germline.

Baylor Genetics
Classification: Pathogenic for Lynch syndrome 4. Last evaluated: 2022-03-09. Review status: criteria provided, single submitter. Criteria: ACMG Guidelines, 2015. Collection method: clinical testing. Allele origin: unknown.

Kong lab, Department of Laboratory Medicine, National Cancer Center
Classification: Likely pathogenic for Lynch syndrome 4. Last evaluated: 2020-08-01. Review status: criteria provided, single submitter. Criteria: ACMG Guidelines, 2015. Collection method: research. Allele origin: germline, not applicable. Inheritance: Autosomal dominant inheritance. Observed: 1 heterozygote.
Comment: RT-PCR and sequencing analyses demonstrated that this variant led to 8-bp deletion in exon 3, causing a frameshift and generating a truncated PMS2 protein (Ryu et al., 2020; PMID: 32761968). This variant has been observed at very low frequency in population databases with allele frequencies of 7.0E-06 in gnomAD_genomes, 8.0E-06 in ExAC according to the most recent data from dbSNP (rs763308607). Given its impact on PMS2 function and its potential association with Lynch syndrome, PMS2 c.164-1G>C has been classified as likely pathogenic.

Department of Pathology and Laboratory Medicine, Sinai Health System
Classification: Pathogenic for Lynch syndrome 4. Last evaluated: 2020-01-28. Review status: criteria provided, single submitter. Criteria: ACMG Guidelines, 2015. Collection method: clinical testing. Allele origin: germline. Affected: yes.

Counsyl
Classification: Likely pathogenic for Lynch syndrome 4. Last evaluated: 2017-03-17. Review status: no assertion criteria provided. Collection method: clinical testing. Allele origin: unknown. Not counted in ClinVar's aggregate classification.

Literature cited by the submitters: PubMed 23709753 (cited by Labcorp Genetics (formerly Invitae), Labcorp); PubMed 25856668 (cited by 5 submitters); PubMed 28514183 (cited by Labcorp Genetics (formerly Invitae), Labcorp and All of Us Research Program, National Institutes of Health); PubMed 31992580 (cited by 4 submitters); PubMed 32761968 (cited by 4 submitters); PubMed 25512458 (cited by All of Us Research Program, National Institutes of Health); PubMed 30376427 (cited by All of Us Research Program, National Institutes of Health); PubMed 34793666 (cited by All of Us Research Program, National Institutes of Health); PubMed 35223509 (cited by All of Us Research Program, National Institutes of Health).

NM_000535.7(PMS2):c.164-1G>C

Gene: PMS2 (PMS1 homolog 2, mismatch repair system component; minus strand). Cytogenetic location: 7p22.1.
Variant type: single nucleotide variant.
Coding change: c.164-1G>C on transcript NM_000535.7 (MANE Select); the canonical splice acceptor site of the intron before coding-DNA position 164, G replaced by C.
Molecular consequence: splice acceptor variant. On other transcripts: intron variant (1).
Genome position (GRCh38, 1-based): chr7:6,004,059, C>G on the plus strand (G>C on the coding strand, the complement: PMS2 is on the minus strand). VCF-style: chr7-6004059-C-G. GRCh37 (hg19) VCF-style: chr7-6043690-C-G.
Other names: c.-52-1G>C (NM_001322008.2, NM_001406902.1, NM_001406883.1 and 4 more transcripts); c.-218-1G>C (NM_001406881.1, NM_001406900.1); c.-189-1G>C (NM_001406895.1, NM_001406904.1, NM_001406889.1 and 6 more transcripts); c.-242-1G>C (NM_001406911.1, NM_001322010.2, NM_001322004.2 and 13 more transcripts); c.-321-1G>C (NM_001406879.1, NM_001322015.2, NM_001406878.1 and 3 more transcripts); c.-721-1G>C (NM_001322012.2, NM_001322011.2); c.-52-1423G>C (NM_001406896.1); c.164-1G>C (NM_001406885.1, NM_001406886.1, NM_001406884.1 and 11 more transcripts); and 3 more.
Identifiers: ClinVar variation 186061 (VCV000186061.26), dbSNP rs763308607, ClinGen allele CA009964.